The following is an entry in ClinVar:

NM_025216.3(WNT10A):c.59C>A (p.Pro20Gln)

Gene: WNT10A (Wnt family member 10A; plus strand). Cytogenetic location: 2q35.
Variant type: single nucleotide variant.
Coding change: c.59C>A on transcript NM_025216.3 (MANE Select); coding-DNA position 59, C replaced by A.
Protein change: p.Pro20Gln; replaces proline 20 with glutamine.
Molecular consequence: missense variant.
Genome position (GRCh38, 1-based): chr2:218,881,054, C>A. VCF-style: chr2-218881054-C-A. GRCh37 (hg19) VCF-style: chr2-219745776-C-A.
Other names: c.59C>A (NM_025216.2); short protein forms P20Q.
Identifiers: ClinVar variation 2945642 (VCV002945642.4), dbSNP rs779424847, ClinGen allele CA2113811.

ClinVar aggregate classification (germline): Uncertain significance. Review status: criteria provided, multiple submitters, no conflicts (2 of 4 stars). 2 submissions from 2 submitters: Uncertain significance (2). Last evaluated 2024-11-13.

Conditions:
Odonto-onycho-dermal dysplasia. Identifiers: Orphanet 2721, MedGen C0796093, MONDO:0009773, OMIM 257980.
Tooth agenesis, selective, 4 (STHAG4). Also called: LATERAL INCISORS, ABSENCE OF; LATERAL INCISORS, PEGGED OR MISSING; SUCCEDANEOUS TEETH, AGENESIS OF; TOOTH AGENESIS, SELECTIVE, 4, WITH OR WITHOUT ECTODERMAL DYSPLASIA. Identifiers: Orphanet 99798, MedGen C1835492, MONDO:0007881, OMIM 150400. Disease mechanism: loss of function.
Inborn genetic diseases. Identifiers: MedGen C0950123, MeSH D030342.

Allele frequency attached by ClinVar (database versions not stated): ExAC 0.00004; gnomAD 0.00005; TOPMed 0.00010; gnomAD exomes 0.00011.
gnomAD v4.1: 164 of 1,604,704 alleles (0.01%); highest among the groups gnomAD compares: Admixed American, 0.017%; no homozygotes.

Submissions (2):

Ambry Genetics
Classification: Uncertain significance for Inborn genetic diseases. Last evaluated: 2024-11-13. Review status: criteria provided, single submitter. Criteria: Ambry Variant Classification Scheme 2023. Collection method: clinical testing. Allele origin: germline.

Labcorp Genetics (formerly Invitae), Labcorp
Classification: Uncertain significance for Tooth agenesis, selective, 4; Odonto-onycho-dermal dysplasia. Last evaluated: 2024-01-31. Review status: criteria provided, single submitter. Criteria: Invitae Variant Classification Sherloc (09022015). Collection method: clinical testing. Allele origin: germline.
Comment: This sequence change replaces proline, which is neutral and non-polar, with glutamine, which is neutral and polar, at codon 20 of the WNT10A protein (p.Pro20Gln). This variant is present in population databases (rs779424847, gnomAD 0.02%). This variant has not been reported in the literature in individuals affected with WNT10A-related conditions. Advanced modeling of protein sequence and biophysical properties (such as structural, functional, and spatial information, amino acid conservation, physicochemical variation, residue mobility, and thermodynamic stability) performed at Invitae indicates that this missense variant is not expected to disrupt WNT10A protein function with a negative predictive value of 95%. In summary, the available evidence is currently insufficient to determine the role of this variant in disease. Therefore, it has been classified as a Variant of Uncertain Significance.